The following is an entry in ClinVar:

ClinVar aggregate classification (germline): Uncertain significance (1 of 4 stars; one submission).

Submission:

Labcorp Genetics (formerly Invitae), Labcorp
Classification: Uncertain significance. Last evaluated: 2022-07-05. Review status: criteria provided, single submitter. Criteria: Invitae Variant Classification Sherloc (09022015). Collection method: clinical testing. Allele origin: germline.
Comment: In summary, the available evidence is currently insufficient to determine the role of this variant in disease. Therefore, it has been classified as a Variant of Uncertain Significance. Algorithms developed to predict the effect of missense changes on protein structure and function (SIFT, PolyPhen-2, Align-GVGD) all suggest that this variant is likely to be tolerated. ClinVar contains an entry for this variant (Variation ID: 1388365). This variant has not been reported in the literature in individuals affected with CLCC1-related conditions. This variant is not present in population databases (gnomAD no frequency). This sequence change replaces aspartic acid, which is acidic and polar, with glycine, which is neutral and non-polar, at codon 53 of the CLCC1 protein (p.Asp53Gly).

NM_001377458.1(CLCC1):c.158A>G (p.Asp53Gly)

Gene: CLCC1 (chloride channel CLIC like 1; minus strand). Cytogenetic location: 1p13.3.
Variant type: single nucleotide variant.
Coding change: c.158A>G on transcript NM_001377458.1 (MANE Select); coding-DNA position 158, A replaced by G.
Protein change: p.Asp53Gly; replaces aspartic acid 53 with glycine.
Molecular consequence: missense variant. On other transcripts: 5 prime UTR variant (1), non-coding transcript variant (1), intron variant (1).
Genome position (GRCh38, 1-based): chr1:108,949,893, T>C on the plus strand (A>G on the coding strand, the complement: CLCC1 is on the minus strand). VCF-style: chr1-108949893-T-C. GRCh37 (hg19) VCF-style: chr1-109492515-T-C.
Other names: c.158A>G, p.Asp53Gly (NM_001048210.3, NM_001278202.2, NM_001278203.1 and 11 more transcripts); c.-305A>G (NM_001377470.1); c.129+416A>G (NM_001377469.1); short protein forms D53G.
Identifiers: ClinVar variation 1388365 (VCV001388365.6), dbSNP rs754101858, ClinGen allele CA341466400.
Genomic context (GRCh38, chr1:108,949,893, plus strand): 5'-GAATCAAGTTTGTGATAACATTCTGATATTTCATCAGCACATGACAAGTCAGGACTGACA[T>C]CCTTTTCCCCTGAAATACCATATTTTGCCTAAAACAGAGTATAGAAACATTTTATTTCTT-3'
Protein context (NP_001364387.1, residues 43-63): QAKYGISGEK[Asp53Gly]VSPDLSCADE